The following is an entry in ClinVar:

ClinVar aggregate classification (germline): Likely benign. Review status: criteria provided, multiple submitters, no conflicts (2 of 4 stars). 3 submissions from 3 submitters: Likely benign (3). Last evaluated 2026-08-10.

Conditions:
MYO18B-related disorder. Also called: MYO18B-related condition.

Allele frequency attached by ClinVar (database versions not stated): ExAC 0.00037; 1000 Genomes Project 0.00060; 1000 Genomes Project 30x 0.00078; ESP Exome Variant Server 0.00008; gnomAD 0.00012 and 0.00013; TOPMed 0.00015; gnomAD exomes 0.00023.
gnomAD v4.1: 166 of 1,569,992 alleles (0.011%); highest among the groups gnomAD compares: Admixed American, 0.07%; no homozygotes.

Submissions (3):

PreventionGenetics, part of Exact Sciences
Classification: Likely benign for MYO18B-related condition. Last evaluated: 2026-08-10. Review status: criteria provided, single submitter. Criteria: ACMG Guidelines, 2015. Collection method: clinical testing. Allele origin: germline.
Comment: This variant is classified as likely benign based on ACMG/AMP sequence variant interpretation guidelines (Richards et al. 2015 PMID: 25741868, with internal and published modifications).

Labcorp Genetics (formerly Invitae), Labcorp
Classification: Likely benign. Last evaluated: 2025-11-05. Review status: criteria provided, single submitter. Criteria: Invitae Variant Classification Sherloc (09022015). Collection method: clinical testing. Allele origin: germline.

Blueprint Genetics
Classification: Likely benign. Last evaluated: 2024-04-03. Review status: criteria provided, single submitter. Criteria: ACMG Guidelines, 2015. Collection method: clinical testing. Allele origin: germline.

NM_032608.7(MYO18B):c.5149-5C>T

Gene: MYO18B (myosin XVIIIB; plus strand). Cytogenetic location: 22q12.1.
Variant type: single nucleotide variant.
Coding change: c.5149-5C>T on transcript NM_032608.7 (MANE Select); 5 bases into the intron before coding-DNA position 5149, C replaced by T.
Molecular consequence: intron variant.
Genome position (GRCh38, 1-based): chr22:25,908,317, C>T. VCF-style: chr22-25908317-C-T. GRCh37 (hg19) VCF-style: chr22-26304284-C-T.
Other names: c.5152-5C>T (NM_001318245.2); c.5149-5C>T (NM_032608.6).
Identifiers: ClinVar variation 1553144 (VCV001553144.10), dbSNP rs374451459, ClinGen allele CA10161082.
Genomic context (GRCh38, chr22:25,908,317, plus strand): 5'-TGACATGGAGGGCTTGGAGAGTTAGAGTGGGTCACCCTCACGTGCTGTCCTTGCTGCCCC[C>T]GCAGCTCCGCCAGCGGTTTGAGCTGGAGATCGAGCGGATGAAGCAGATGCACCAGAAGGA-3'